The following is an entry in ClinVar:

ClinVar aggregate classification (germline): Uncertain significance (1 of 4 stars; one submission).

Conditions:
Hoyeraal-Hreidarsson syndrome (HHS). Also called: CEREBELLAR HYPOPLASIA WITH PANCYTOPENIA. Identifiers: Orphanet 3322, MedGen C1846142, MONDO:0018045.
Autosomal recessive dyskeratosis congenita. Identifiers: MedGen C3502105.

Allele frequency attached by ClinVar (database versions not stated): gnomAD exomes below 0.00001 and 0.00002; ExAC 0.00002.
gnomAD v4.1: 8 of 1,614,188 alleles (0.0005%); highest among the groups gnomAD compares: Non-Finnish European, 0.000085%; no homozygotes.

Submission:

Labcorp Genetics (formerly Invitae), Labcorp
Classification: Uncertain significance for Hoyeraal-Hreidarsson syndrome; Autosomal recessive dyskeratosis congenita. Last evaluated: 2019-08-28. Review status: criteria provided, single submitter. Criteria: Invitae Variant Classification Sherloc (09022015). Collection method: clinical testing. Allele origin: germline.
Comment: This sequence change replaces histidine with arginine at codon 230 of the DCLRE1B protein (p.His230Arg). The histidine residue is moderately conserved and there is a small physicochemical difference between histidine and arginine. This variant is present in population databases (rs755456896, ExAC 0.004%). This variant has not been reported in the literature in individuals with DCLRE1B-related conditions. Algorithms developed to predict the effect of missense changes on protein structure and function (SIFT, PolyPhen-2, Align-GVGD) all suggest that this variant is likely to be tolerated, but these predictions have not been confirmed by published functional studies and their clinical significance is uncertain. In summary, the available evidence is currently insufficient to determine the role of this variant in disease. Therefore, it has been classified as a Variant of Uncertain Significance.

NM_022836.4(DCLRE1B):c.689A>G (p.His230Arg)

Gene: DCLRE1B (DNA cross-link repair 1B; plus strand). Cytogenetic location: 1p13.2.
Variant type: single nucleotide variant.
Coding change: c.689A>G on transcript NM_022836.4 (MANE Select); coding-DNA position 689, A replaced by G.
Protein change: p.His230Arg; replaces histidine 230 with arginine.
Molecular consequence: missense variant.
Genome position (GRCh38, 1-based): chr1:113,911,281, A>G. VCF-style: chr1-113911281-A-G. GRCh37 (hg19) VCF-style: chr1-114453903-A-G.
Other names: c.311A>G, p.His104Arg (NM_001319946.2, NM_001319947.2, NM_001363691.2); c.689A>G, p.His230Arg (NM_001363690.2); short protein forms H104R, H230R.
Identifiers: ClinVar variation 934496 (VCV000934496.9), dbSNP rs755456896, ClinGen allele CA1016451.
Genomic context (GRCh38, chr1:113,911,281, plus strand): 5'-TGGTACAGCTACTGGGCCTGGCAGATGTGTTCACAGTGGAGGAGAAGGCTGGCCGCATCC[A>G]TGCAGTAGACCATATGGAGATCTGCCATTCCAACATGCTGCGTTGGAACCAGACCCACCC-3'
Protein context (NP_073747.1, residues 220-240): FTVEEKAGRI[His230Arg]AVDHMEICHS